The following is an entry in ClinVar:

ClinVar aggregate classification (germline): Uncertain significance. Review status: criteria provided, multiple submitters, no conflicts (2 of 4 stars). 2 submissions from 2 submitters: Uncertain significance (2). Last evaluated 2025-04-24.

Conditions:
POLD1-related polyposis and colorectal cancer syndrome (CRCS10). Also called: Colorectal cancer, susceptibility to, 10; Colorectal cancer 10; COLORECTAL CANCER, SUSCEPTIBILITY TO, ON CHROMOSOME 19q. Identifiers: Orphanet 220460, MedGen C2675481, MONDO:0012953, OMIM 612591.
Hereditary cancer-predisposing syndrome. Also called: Hereditary neoplastic syndrome; Tumor predisposition; Hereditary Cancer Syndrome; Neoplastic Syndromes, Hereditary. Identifiers: Orphanet 140162, MedGen C0027672, MeSH D009386, MONDO:0015356.

Submissions (2):

Labcorp Genetics (formerly Invitae), Labcorp
Classification: Uncertain significance for POLD1-related polyposis and colorectal cancer syndrome. Last evaluated: 2025-04-24. Review status: criteria provided, single submitter. Criteria: Invitae Variant Classification Sherloc (09022015). Collection method: clinical testing. Allele origin: germline.
Comment: This sequence change replaces alanine, which is neutral and non-polar, with serine, which is neutral and polar, at codon 904 of the POLD1 protein (p.Ala904Ser). This variant is not present in population databases (gnomAD no frequency). This variant has not been reported in the literature in individuals affected with POLD1-related conditions. ClinVar contains an entry for this variant (Variation ID: 657753). Invitae Evidence Modeling of protein sequence and biophysical properties (such as structural, functional, and spatial information, amino acid conservation, physicochemical variation, residue mobility, and thermodynamic stability) indicates that this missense variant is not expected to disrupt POLD1 protein function with a negative predictive value of 80%. In summary, the available evidence is currently insufficient to determine the role of this variant in disease. Therefore, it has been classified as a Variant of Uncertain Significance.

Ambry Genetics
Classification: Uncertain significance for Hereditary cancer-predisposing syndrome. Last evaluated: 2021-08-14. Review status: criteria provided, single submitter. Criteria: Ambry Variant Classification Scheme 2023. Collection method: clinical testing. Allele origin: germline.
Comment: The p.A904S variant (also known as c.2710G>T), located in coding exon 20 of the POLD1 gene, results from a G to T substitution at nucleotide position 2710. The alanine at codon 904 is replaced by serine, an amino acid with similar properties. This amino acid position is conserved. In addition, this alteration is predicted to be tolerated by in silico analysis. Since supporting evidence is limited at this time, the clinical significance of this alteration remains unclear.

NM_002691.4(POLD1):c.2710G>T (p.Ala904Ser)

Gene: POLD1 (DNA polymerase delta 1, catalytic subunit; plus strand). Cytogenetic location: 19q13.33.
Variant type: single nucleotide variant.
Coding change: c.2710G>T on transcript NM_002691.4 (MANE Select); coding-DNA position 2710, G replaced by T.
Protein change: p.Ala904Ser; replaces alanine 904 with serine.
Molecular consequence: missense variant. On other transcripts: non-coding transcript variant (1).
Genome position (GRCh38, 1-based): chr19:50,415,583, G>T. VCF-style: chr19-50415583-G-T. GRCh37 (hg19) VCF-style: chr19-50918840-G-T.
Other names: c.2710G>T, p.Ala904Ser (NM_001256849.1); c.2788G>T, p.Ala930Ser (NM_001308632.1); short protein forms A904S, A930S.
Identifiers: ClinVar variation 657753 (VCV000657753.11), dbSNP rs1469483693, ClinGen allele CA406985722.